The following is an entry in ClinVar:

ClinVar aggregate classification (germline): Uncertain significance. Review status: criteria provided, multiple submitters, no conflicts (2 of 4 stars). 3 submissions from 3 submitters: Uncertain significance (3). Last evaluated 2025-11-22.

Conditions:
Primary dilated cardiomyopathy (DCM). Also called: Dilated Cardiomyopathy. Identifiers: Orphanet 217604, MedGen C0007193, MeSH D002311, MONDO:0005021, HP:0001644. Inheritance: Various modes of inheritance.
Cardiomyopathy (CMYO). Also called: Cardiomyopathies. Identifiers: Orphanet 167848, MedGen C0878544, MONDO:0004994, HP:0001638. Inheritance: Various modes of inheritance.
Charcot-Marie-Tooth disease type 2. Also called: Charcot-Marie-Tooth type 2. Identifiers: Orphanet 64746, MedGen C0270914, MONDO:0018993.

Submissions (3):

Labcorp Genetics (formerly Invitae), Labcorp
Classification: Uncertain significance for Charcot-Marie-Tooth disease type 2. Last evaluated: 2025-11-22. Review status: criteria provided, single submitter. Criteria: Invitae Variant Classification Sherloc (09022015). Collection method: clinical testing. Allele origin: germline.
Comment: This sequence change replaces aspartic acid, which is acidic and polar, with histidine, which is basic and polar, at codon 553 of the LMNA protein (p.Asp553His). This variant is not present in population databases (gnomAD no frequency). This variant has not been reported in the literature in individuals affected with LMNA-related conditions. ClinVar contains an entry for this variant (Variation ID: 2773549). Invitae Evidence Modeling of protein sequence and biophysical properties (such as structural, functional, and spatial information, amino acid conservation, physicochemical variation, residue mobility, and thermodynamic stability) indicates that this missense variant is expected to disrupt LMNA protein function with a positive predictive value of 95%. In summary, the available evidence is currently insufficient to determine the role of this variant in disease. Therefore, it has been classified as a Variant of Uncertain Significance.

All of Us Research Program, National Institutes of Health
Classification: Uncertain significance for Primary dilated cardiomyopathy. Last evaluated: 2023-07-19. Review status: criteria provided, single submitter. Criteria: ACMG Guidelines, 2015. Collection method: clinical testing. Allele origin: germline. Inheritance: Autosomal dominant inheritance. Observed: 1 variant allele, 1 heterozygote.
Comment: This missense variant replaces aspartic acid with histidine at codon 553 of the LMNA protein. Computational prediction suggests that this variant may not impact protein structure and function (internally defined REVEL score threshold <= 0.5, PMID: 27666373). To our knowledge, functional studies have not been reported for this variant. This variant has not been reported in individuals affected with LMNA-related disorders in the literature. This variant has not been identified in the general population by the Genome Aggregation Database (gnomAD). The available evidence is insufficient to determine the role of this variant in disease conclusively. Therefore, this variant is classified as a Variant of Uncertain Significance.

This study involves interpretation of variants in research participants for the purpose of population health screening. Participant phenotype was not available at the time of variant classification. Additional details can be found in publication PMID: 35346344, PMCID: PMC8962531

Color Diagnostics, LLC DBA Color Health
Classification: Uncertain significance for Cardiomyopathy. Last evaluated: 2023-05-17. Review status: criteria provided, single submitter. Criteria: ACMG Guidelines, 2015. Collection method: clinical testing. Allele origin: germline.
Comment: This missense variant replaces aspartic acid with histidine at codon 553 of the LMNA protein. Computational prediction suggests that this variant may not impact protein structure and function (internally defined REVEL score threshold <= 0.5, PMID: 27666373). To our knowledge, functional studies have not been reported for this variant. This variant has not been reported in individuals affected with LMNA-related disorders in the literature. This variant has not been identified in the general population by the Genome Aggregation Database (gnomAD). The available evidence is insufficient to determine the role of this variant in disease conclusively. Therefore, this variant is classified as a Variant of Uncertain Significance.

NM_170707.4(LMNA):c.1657G>C (p.Asp553His)

Gene: LMNA (lamin A/C; plus strand). Cytogenetic location: 1q22.
Variant type: single nucleotide variant.
Coding change: c.1657G>C on transcript NM_170707.4 (MANE Select); coding-DNA position 1657, G replaced by C.
Protein change: p.Asp553His; replaces aspartic acid 553 with histidine.
Molecular consequence: missense variant. On other transcripts: intron variant (1).
Genome position (GRCh38, 1-based): chr1:156,137,702, G>C. VCF-style: chr1-156137702-G-C. GRCh37 (hg19) VCF-style: chr1-156107493-G-C.
Other names: c.1321G>C, p.Asp441His (NM_001257374.3, NM_001406989.1, NM_001406998.1); c.1414G>C, p.Asp472His (NM_001282624.2, NM_001406986.1, NM_001406987.1); c.1657G>C, p.Asp553His (NM_001282625.2, NM_001282626.2, NM_001406983.1 and 5 more transcripts); c.1360G>C, p.Asp454His (NM_001406988.1); c.1099G>C, p.Asp367His (NM_001406990.1, NM_001406993.1, NM_001406995.1 and 4 more transcripts); c.1033G>C, p.Asp345His (NM_001406994.1, NM_001406999.1, NM_001407000.1 and 1 more transcripts); c.1608+470G>C (NM_170708.4); short protein forms D367H, D454H, D345H, D441H, D472H, D553H.
Identifiers: ClinVar variation 2773549 (VCV002773549.4), dbSNP rs373671419, ClinGen allele CA342825579.
Genomic context (GRCh38, chr1:156,137,702, plus strand): 5'-TGTCCCCACCAGGAAGTGGCCATGCGCAAGCTGGTGCGCTCAGTGACTGTGGTTGAGGAC[G>C]ACGAGGATGAGGATGGAGATGACCTGCTCCATCACCACCACGTGAGTGGTAGCCGCCGCT-3'
Protein context (NP_733821.1, residues 543-563): LVRSVTVVED[Asp553His]EDEDGDDLLH